The following is an entry in ClinVar:

NM_014231.5(VAMP1):c.230C>T (p.Ser77Leu)

Genes: TAPBPL (TAP binding protein like; plus strand), VAMP1 (vesicle associated membrane protein 1; minus strand). Cytogenetic location: 12p13.31.
Variant type: single nucleotide variant.
Coding change: c.230C>T on transcript NM_014231.5 (MANE Select); coding-DNA position 230, C replaced by T.
Protein change: p.Ser77Leu; replaces serine 77 with leucine.
Molecular consequence: missense variant. On other transcripts: non-coding transcript variant (1).
Genome position (GRCh38, 1-based): chr12:6,465,900, G>A on the plus strand (C>T on the coding strand, the complement: VAMP1 is on the minus strand). VCF-style: chr12-6465900-G-A. GRCh37 (hg19) VCF-style: chr12-6575066-G-A.
Other names: c.230C>T, p.Ser77Leu (NM_001297438.2, NM_016830.4, NM_199245.3); short protein forms S77L.
Identifiers: ClinVar variation 2633893 (VCV002633893.1), dbSNP rs1555130465, ClinGen allele CA383558931.

ClinVar aggregate classification (germline): Uncertain significance (1 of 4 stars; one submission).

Conditions:
VAMP1-related disorder. Also called: VAMP1-Related Disorders; VAMP1-related condition.

Submission:

PreventionGenetics, part of Exact Sciences
Classification: Uncertain significance for VAMP1-related condition. Last evaluated: 2023-04-25. Review status: criteria provided, single submitter. Criteria: ACMG Guidelines, 2015. Collection method: clinical testing. Allele origin: germline.
Comment: The VAMP1 c.230C>T variant is predicted to result in the amino acid substitution p.Ser77Leu. To our knowledge, this variant has not been reported in the literature or in a large population database, indicating this variant is rare. At this time, the clinical significance of this variant is uncertain due to the absence of conclusive functional and genetic evidence.